The following is an entry in ClinVar:

ClinVar aggregate classification (germline): Uncertain significance (1 of 4 stars; one submission).

Submission:

GeneDx
Classification: Uncertain significance. Last evaluated: 2023-03-26. Review status: criteria provided, single submitter. Criteria: GeneDx Variant Classification Process June 2021. Collection method: clinical testing. Allele origin: germline. Affected: yes.
Comment: Not observed at significant frequency in large population cohorts (gnomAD); In silico analysis supports that this missense variant does not alter protein structure/function; Has not been previously published as pathogenic or benign to our knowledge

NM_001283009.2(RTEL1):c.3619G>A (p.Gly1207Arg)

Genes: RTEL1 (regulator of telomere elongation helicase 1; plus strand), RTEL1-TNFRSF6B (RTEL1-TNFRSF6B readthrough (NMD candidate); plus strand). Cytogenetic location: 20q13.33.
Variant type: single nucleotide variant.
Coding change: c.3619G>A on transcript NM_001283009.2 (MANE Select); coding-DNA position 3619, G replaced by A.
Protein change: p.Gly1207Arg; replaces glycine 1207 with arginine.
Molecular consequence: missense variant. On other transcripts: non-coding transcript variant (1).
Genome position (GRCh38, 1-based): chr20:63,695,447, G>A. VCF-style: chr20-63695447-G-A. GRCh37 (hg19) VCF-style: chr20-62326800-G-A.
Other names: c.2950G>A, p.Gly984Arg (NM_001283010.1); c.3619G>A, p.Gly1207Arg (NM_016434.4); c.3691G>A, p.Gly1231Arg (NM_032957.5); short protein forms G1207R, G1231R, G984R.
Identifiers: ClinVar variation 2581899 (VCV002581899.1), dbSNP rs201092065, ClinGen allele CA317529973.
Genomic context (GRCh38, chr20:63,695,447, plus strand): 5'-CAGAGGCCAGCAGGGACTGTGGGGGCGGGCGGTGAGGATGCAGGTCCCAGCCAGTCCTCA[G>A]GACCTCCCCACGGGCCTGCAGCATCTGAGTGGGGTGAGCCTCATGGGAGAGACATCGCTG-3'
Protein context (NP_001269938.1, residues 1197-1217): GEDAGPSQSS[Gly1207Arg]PPHGPAASEW